The following is an entry in ClinVar:

NM_001042492.3(NF1):c.6314dup (p.His2105fs)

Gene: NF1 (neurofibromin 1; plus strand). Cytogenetic location: 17q11.2.
Variant type: Duplication.
Coding change: c.6314dup on transcript NM_001042492.3 (MANE Select); coding-DNA position 6314, one base duplicated (A; older notation c.6314dupA).
Protein change: p.His2105fs; shifts the reading frame from histidine 2105.
Molecular consequence: frameshift variant.
Genome position (GRCh38, 1-based): chr17:31,336,801, A duplicated. VCF-style (leftmost placement, unchanged base first): chr17-31336800-C-CA. GRCh37 (hg19) VCF-style: chr17-29663818-C-CA.
Other names: c.6251dup, p.His2084Glnfs (NM_000267.4); c.6251dupA (NM_000267.3); short protein forms H2084fs, H2105fs.
Identifiers: ClinVar variation 3404659 (VCV003404659.1).

ClinVar aggregate classification (germline): Pathogenic (1 of 4 stars; one submission).

Conditions:
Hereditary cancer-predisposing syndrome. Also called: Hereditary Cancer Syndrome; Tumor predisposition; Hereditary neoplastic syndrome; Neoplastic Syndromes, Hereditary. Identifiers: Orphanet 140162, MedGen C0027672, MeSH D009386, MONDO:0015356.
Cardiovascular phenotype. Identifiers: MedGen CN230736.

Submission:

Ambry Genetics
Classification: Pathogenic for Cardiovascular phenotype; Hereditary cancer-predisposing syndrome. Last evaluated: 2024-07-13. Review status: criteria provided, single submitter. Criteria: Ambry Variant Classification Scheme 2023. Collection method: clinical testing. Allele origin: germline.
Comment: The c.6251dupA variant, located in coding exon 41 of the NF1 gene, results from a duplication of A at nucleotide position 6251, causing a translational frameshift with a predicted alternate stop codon (p.H2084Qfs*15). This variant is considered to be rare based on population cohorts in the Genome Aggregation Database (gnomAD). This alteration is expected to result in loss of function by premature protein truncation or nonsense-mediated mRNA decay. As such, this alteration is interpreted as a disease-causing mutation.